The following is an entry in ClinVar:

NM_005157.6(ABL1):c.728C>A (p.Thr243Asn)

Gene: ABL1 (ABL proto-oncogene 1, non-receptor tyrosine kinase; plus strand). Cytogenetic location: 9q34.12.
Variant type: single nucleotide variant.
Coding change: c.728C>A on transcript NM_005157.6 (MANE Select); coding-DNA position 728, C replaced by A.
Protein change: p.Thr243Asn; replaces threonine 243 with asparagine.
Molecular consequence: missense variant.
Genome position (GRCh38, 1-based): chr9:130,862,941, C>A. VCF-style: chr9-130862941-C-A. GRCh37 (hg19) VCF-style: chr9-133738328-C-A.
Other names: c.785C>A, p.Thr262Asn (NM_007313.3); short protein forms T243N, T262N.
Identifiers: ClinVar variation 1505395 (VCV001505395.6), dbSNP rs2132973957, ClinGen allele CA375263126.

ClinVar aggregate classification (germline): Uncertain significance (1 of 4 stars; one submission).

Submission:

Labcorp Genetics (formerly Invitae), Labcorp
Classification: Uncertain significance. Last evaluated: 2022-07-05. Review status: criteria provided, single submitter. Criteria: Invitae Variant Classification Sherloc (09022015). Collection method: clinical testing. Allele origin: germline.
Comment: In summary, the available evidence is currently insufficient to determine the role of this variant in disease. Therefore, it has been classified as a Variant of Uncertain Significance. Advanced modeling of protein sequence and biophysical properties (such as structural, functional, and spatial information, amino acid conservation, physicochemical variation, residue mobility, and thermodynamic stability) performed at Invitae indicates that this missense variant is not expected to disrupt ABL1 protein function. ClinVar contains an entry for this variant (Variation ID: 1505395). This variant has not been reported in the literature in individuals affected with ABL1-related conditions. This variant is not present in population databases (gnomAD no frequency). This sequence change replaces threonine, which is neutral and polar, with asparagine, which is neutral and polar, at codon 262 of the ABL1 protein (p.Thr262Asn).